The following is an entry in ClinVar:

ClinVar aggregate classification (germline): Uncertain significance (1 of 4 stars; one submission).

Submission:

Labcorp Genetics (formerly Invitae), Labcorp
Classification: Uncertain significance. Last evaluated: 2022-03-11. Review status: criteria provided, single submitter. Criteria: Invitae Variant Classification Sherloc (09022015). Collection method: clinical testing. Allele origin: germline.
Comment: This sequence change replaces serine, which is neutral and polar, with threonine, which is neutral and polar, at codon 244 of the CACNA1E protein (p.Ser244Thr). In summary, the available evidence is currently insufficient to determine the role of this variant in disease. Therefore, it has been classified as a Variant of Uncertain Significance. Advanced modeling of protein sequence and biophysical properties (such as structural, functional, and spatial information, amino acid conservation, physicochemical variation, residue mobility, and thermodynamic stability) performed at Invitae indicates that this missense variant is not expected to disrupt CACNA1E protein function. This variant has not been reported in the literature in individuals affected with CACNA1E-related conditions. This variant is not present in population databases (gnomAD no frequency).

NM_001205293.3(CACNA1E):c.731G>C (p.Ser244Thr)

Gene: CACNA1E (calcium voltage-gated channel subunit alpha1 E; plus strand). Cytogenetic location: 1q25.3.
Variant type: single nucleotide variant.
Coding change: c.731G>C on transcript NM_001205293.3 (MANE Select); coding-DNA position 731, G replaced by C.
Protein change: p.Ser244Thr; replaces serine 244 with threonine.
Molecular consequence: missense variant.
Genome position (GRCh38, 1-based): chr1:181,579,186, G>C. VCF-style: chr1-181579186-G-C. GRCh37 (hg19) VCF-style: chr1-181548322-G-C.
Other names: c.731G>C, p.Ser244Thr (NM_000721.4, NM_001205294.2); short protein forms S244T.
Identifiers: ClinVar variation 2109473 (VCV002109473.4), dbSNP rs2527316996, ClinGen allele CA343847171.
Genomic context (GRCh38, chr1:181,579,186, plus strand): 5'-TTGGCCTTCTGCTCTTCTTTGCCATCCTGATGTTTGCTATCATTGGTTTGGAGTTCTACA[G>C]TGGCAAGTTACATCGAGCATGCTTCATGAACAATTCAGGTAGGGTCGTTCTTTTCTGTCT-3'
Protein context (NP_001192222.1, residues 234-254): MFAIIGLEFY[Ser244Thr]GKLHRACFMN